The following is an entry in ClinVar:

NM_015909.4(NBAS):c.4975C>T (p.Arg1659Trp)

Gene: NBAS (NBAS subunit of NRZ tethering complex; minus strand). Cytogenetic location: 2p24.3.
Variant type: single nucleotide variant.
Coding change: c.4975C>T on transcript NM_015909.4 (MANE Select); coding-DNA position 4975, C replaced by T.
Protein change: p.Arg1659Trp; replaces arginine 1659 with tryptophan.
Molecular consequence: missense variant. On other transcripts: non-coding transcript variant (1).
Genome position (GRCh38, 1-based): chr2:15,292,589, G>A on the plus strand (C>T on the coding strand, the complement: NBAS is on the minus strand). VCF-style: chr2-15292589-G-A. GRCh37 (hg19) VCF-style: chr2-15432713-G-A.
Other names: short protein forms R1659W.
Identifiers: ClinVar variation 1420181 (VCV001420181.4), dbSNP rs963935830, ClinGen allele CA42612801.

ClinVar aggregate classification (germline): Uncertain significance (1 of 4 stars; one submission).

Allele frequency attached by ClinVar (database versions not stated): gnomAD exomes 0.00001; gnomAD 0.00001; TOPMed 0.00001.
gnomAD v4.1: 12 of 1,614,012 alleles (0.00074%); highest among the groups gnomAD compares: Admixed American, 0.0033%; no homozygotes.

Submission:

Labcorp Genetics (formerly Invitae), Labcorp
Classification: Uncertain significance. Last evaluated: 2023-07-07. Review status: criteria provided, single submitter. Criteria: Invitae Variant Classification Sherloc (09022015). Collection method: clinical testing. Allele origin: germline.
Comment: ClinVar contains an entry for this variant (Variation ID: 1420181). In summary, the available evidence is currently insufficient to determine the role of this variant in disease. Therefore, it has been classified as a Variant of Uncertain Significance. Advanced modeling of protein sequence and biophysical properties (such as structural, functional, and spatial information, amino acid conservation, physicochemical variation, residue mobility, and thermodynamic stability) performed at Invitae indicates that this missense variant is not expected to disrupt NBAS protein function. This variant has not been reported in the literature in individuals affected with NBAS-related conditions. This variant is present in population databases (no rsID available, gnomAD 0.003%). This sequence change replaces arginine, which is basic and polar, with tryptophan, which is neutral and slightly polar, at codon 1659 of the NBAS protein (p.Arg1659Trp).